The following is an entry in ClinVar:

NM_001267550.2(TTN):c.32555-6T>C

Gene: TTN (titin; minus strand). Cytogenetic location: 2q31.2.
Variant type: single nucleotide variant.
Coding change: c.32555-6T>C on transcript NM_001267550.2 (MANE Select); 6 bases into the intron before coding-DNA position 32555, T replaced by C.
Molecular consequence: intron variant.
Genome position (GRCh38, 1-based): chr2:178,684,755, A>G on the plus strand (T>C on the coding strand, the complement: TTN is on the minus strand). VCF-style: chr2-178684755-A-G. GRCh37 (hg19) VCF-style: chr2-179549482-A-G.
Other names: c.13283-42438T>C (NM_003319.4); c.13859-42438T>C (NM_133437.4); c.13658-42438T>C (NM_133432.3); c.28823-6T>C (NM_133378.4); c.31604-6T>C (NM_001256850.1).
Identifiers: ClinVar variation 46870 (VCV000046870.27), dbSNP rs375742678, ClinGen allele CA139396.

ClinVar aggregate classification (germline): Benign/Likely benign. Review status: criteria provided, multiple submitters, no conflicts (2 of 4 stars). 13 submissions from 10 submitters: Benign (6); Likely benign (7). Last evaluated 2026-02-03.

Conditions:
Autosomal recessive limb-girdle muscular dystrophy type 2J (LGMDR10). Also called: Limb-girdle muscular dystrophy, type 2J; MUSCULAR DYSTROPHY, LIMB-GIRDLE, AUTOSOMAL RECESSIVE 10. Identifiers: Orphanet 140922, MedGen C1837342, MONDO:0012127, OMIM 608807.
Dilated cardiomyopathy 1G (CMD1G). Identifiers: Orphanet 154, MedGen C1858763, MONDO:0011400, OMIM 604145.
Hypertrophic cardiomyopathy 9. Also called: Familial hypertrophic cardiomyopathy 9. Identifiers: MedGen C1861065, MONDO:0013412, OMIM 613765.
Tibial muscular dystrophy (TMD). Also called: UDD MYOPATHY; Udd Distal Myopathy – Tibial Muscular Dystrophy; Tibial muscular dystrophy, tardive. Identifiers: Orphanet 609, MedGen C1838244, MONDO:0010870, OMIM 600334.
Early-onset myopathy with fatal cardiomyopathy (CMYO5). Also called: Salih Myopathy; CONGENITAL MYOPATHY 5 WITH CARDIOMYOPATHY. Identifiers: Orphanet 289377, MedGen C2673677, MONDO:0012714, OMIM 611705. Disease mechanism: loss of function.
Myopathy, myofibrillar, 9, with early respiratory failure (MFM9). Also called: Hereditary myopathy with early respiratory failure; EDSTROM MYOPATHY; MYOPATHY, PROXIMAL, WITH EARLY RESPIRATORY MUSCLE INVOLVEMENT; Myopathy, distal, with early respiratory failure, autosomal dominant. Identifiers: Orphanet 178464, Orphanet 34521, MedGen C1863599, MONDO:0011362, OMIM 603689.

Allele frequency attached by ClinVar (database versions not stated): gnomAD exomes 0.00011 and 0.00025; ExAC 0.00034; 1000 Genomes Project 0.00080; gnomAD 0.00116 and 0.00129; 1000 Genomes Project 30x 0.00125; TOPMed 0.00128; ESP Exome Variant Server 0.00136.
gnomAD v4.1: 340 of 1,613,412 alleles (0.021%); highest among the groups gnomAD compares: African/African-American, 0.42%; no homozygotes.

Submissions (13):

Labcorp Genetics (formerly Invitae), Labcorp
Classification: Benign for Dilated cardiomyopathy 1G; Autosomal recessive limb-girdle muscular dystrophy type 2J. Last evaluated: 2026-02-03. Review status: criteria provided, single submitter. Criteria: Invitae Variant Classification Sherloc (09022015). Collection method: clinical testing. Allele origin: germline.

Molecular Diagnostic Laboratory for Inherited Cardiovascular Disease, Montreal Heart Institute
Classification: Likely benign. Last evaluated: 2025-07-24. Review status: criteria provided, single submitter. Criteria: ACMG Guidelines, 2015. Collection method: clinical testing. Allele origin: germline. Affected: no.
Comment: BS1

ARUP Laboratories, Molecular Genetics and Genomics, ARUP Laboratories
Classification: Likely benign. Last evaluated: 2025-03-26. Review status: criteria provided, single submitter. Criteria: ARUP Molecular Germline Variant Investigation Process 2024. Collection method: clinical testing. Allele origin: germline.

Blueprint Genetics
Classification: Likely benign. Last evaluated: 2024-08-21. Review status: criteria provided, single submitter. Criteria: ACMG Guidelines, 2015. Collection method: clinical testing. Allele origin: germline.

Genome-Nilou Lab
Classification: Benign for Autosomal recessive limb-girdle muscular dystrophy type 2J. Last evaluated: 2021-09-10. Review status: criteria provided, single submitter. Criteria: ACMG Guidelines, 2015. Collection method: clinical testing. Allele origin: germline. Affected: no.

Genome-Nilou Lab
Classification: Benign for Myopathy, myofibrillar, 9, with early respiratory failure. Last evaluated: 2021-09-10. Review status: criteria provided, single submitter. Criteria: ACMG Guidelines, 2015. Collection method: clinical testing. Allele origin: germline. Affected: no.

Genome-Nilou Lab
Classification: Benign for Early-onset myopathy with fatal cardiomyopathy. Last evaluated: 2021-09-10. Review status: criteria provided, single submitter. Criteria: ACMG Guidelines, 2015. Collection method: clinical testing. Allele origin: germline. Affected: no.

Genome-Nilou Lab
Classification: Benign for Tibial muscular dystrophy. Last evaluated: 2021-09-10. Review status: criteria provided, single submitter. Criteria: ACMG Guidelines, 2015. Collection method: clinical testing. Allele origin: germline. Affected: no.

Fulgent Genetics
Classification: Likely benign for Tibial muscular dystrophy; Myopathy, myofibrillar, 9, with early respiratory failure; Dilated cardiomyopathy 1G; Autosomal recessive limb-girdle muscular dystrophy type 2J; Early-onset myopathy with fatal cardiomyopathy; Hypertrophic cardiomyopathy 9. Last evaluated: 2021-09-03. Review status: criteria provided, single submitter. Criteria: ACMG Guidelines, 2015. Collection method: clinical testing. Allele origin: unknown.

Athena Diagnostics
Classification: Benign. Last evaluated: 2020-02-17. Review status: criteria provided, single submitter. Criteria: Athena Diagnostics Criteria. Collection method: clinical testing. Allele origin: unknown.

GeneDx
Classification: Likely benign. Last evaluated: 2017-10-23. Review status: criteria provided, single submitter. Criteria: GeneDx Variant Classification (06012015). Collection method: clinical testing. Allele origin: germline. Affected: yes.
Comment: This variant is considered likely benign or benign based on one or more of the following criteria: it is a conservative change, it occurs at a poorly conserved position in the protein, it is predicted to be benign by multiple in silico algorithms, and/or has population frequency not consistent with disease.

Eurofins Ntd Llc (ga)
Classification: Likely benign. Last evaluated: 2015-07-29. Review status: criteria provided, single submitter. Criteria: EGL Classification Definitions 2015. Collection method: clinical testing. Allele origin: germline. Observed: 1 variant allele, 1 heterozygote.

Laboratory for Molecular Medicine, Mass General Brigham Personalized Medicine
Classification: Likely benign. Last evaluated: 2012-04-18. Review status: criteria provided, single submitter. Criteria: LMM Criteria. Collection method: clinical testing. Allele origin: germline. Observed: 2 variant alleles.
Comment: 28823-6T>C in intron 127 of TTN: This variant is not expected to have clinical s ignificance because it has been identified in 0.4% (12/2952) of African American chromosomes from a broad population by the NHLBI Exome Sequencing Project. 28823-6T>C in intron 127 of TTN (allele frequenc y = 0.4%, 12/2952) **